The following is an entry in ClinVar:

NM_014727.3(KMT2B):c.371A>G (p.Gln124Arg)

Gene: KMT2B (lysine methyltransferase 2B; plus strand). Cytogenetic location: 19q13.12.
Variant type: single nucleotide variant.
Coding change: c.371A>G on transcript NM_014727.3 (MANE Select); coding-DNA position 371, A replaced by G.
Protein change: p.Gln124Arg; replaces glutamine 124 with arginine.
Molecular consequence: missense variant.
Genome position (GRCh38, 1-based): chr19:35,719,476, A>G. VCF-style: chr19-35719476-A-G. GRCh37 (hg19) VCF-style: chr19-36210378-A-G.
Other names: short protein forms Q124R.
Identifiers: ClinVar variation 1314215 (VCV001314215.7), dbSNP rs1184172936, ClinGen allele CA405377987.

ClinVar aggregate classification (germline): Uncertain significance. Review status: criteria provided, multiple submitters, no conflicts (2 of 4 stars). 3 submissions from 3 submitters: Uncertain significance (3). Last evaluated 2025-12-23.

gnomAD v4.1: 3 of 1,584,108 alleles (0.00019%); highest among the groups gnomAD compares: Admixed American, 0.0054%; no homozygotes.

Submissions (3):

Labcorp Genetics (formerly Invitae), Labcorp
Classification: Uncertain significance. Last evaluated: 2025-12-23. Review status: criteria provided, single submitter. Criteria: Invitae Variant Classification Sherloc (09022015). Collection method: clinical testing. Allele origin: germline.
Comment: This sequence change replaces glutamine, which is neutral and polar, with arginine, which is basic and polar, at codon 124 of the KMT2B protein (p.Gln124Arg). The frequency data for this variant in the population databases is considered unreliable, as metrics indicate poor data quality at this position in the gnomAD database. This variant has not been reported in the literature in individuals affected with KMT2B-related conditions. ClinVar contains an entry for this variant (Variation ID: 1314215). Invitae Evidence Modeling of protein sequence and biophysical properties (such as structural, functional, and spatial information, amino acid conservation, physicochemical variation, residue mobility, and thermodynamic stability) indicates that this missense variant is not expected to disrupt KMT2B protein function with a negative predictive value of 95%. In summary, the available evidence is currently insufficient to determine the role of this variant in disease. Therefore, it has been classified as a Variant of Uncertain Significance.

Greenwood Genetic Center Diagnostic Laboratories, Greenwood Genetic Center
Classification: Uncertain significance. Last evaluated: 2023-05-08. Review status: criteria provided, single submitter. Criteria: ACMG Guidelines, 2015. Collection method: clinical testing. Allele origin: germline. Affected: yes.
Comment: BP4

GeneDx
Classification: Uncertain significance. Last evaluated: 2021-03-25. Review status: criteria provided, single submitter. Criteria: GeneDx Variant Classification Process June 2021. Collection method: clinical testing. Allele origin: germline. Affected: yes.
Comment: In silico analysis supports that this missense variant does not alter protein structure/function; Has not been previously published as pathogenic or benign to our knowledge